The following is an entry in ClinVar:

NM_031220.4(PITPNM3):c.2792_2793delinsCC (p.Gln931Pro)

Gene: PITPNM3 (PITPNM family member 3; minus strand). Cytogenetic location: 17p13.2.
Variant type: Indel.
Coding change: c.2792_2793delinsCC on transcript NM_031220.4 (MANE Select); coding-DNA positions 2792 to 2793, AG replaced by CC.
Protein change: p.Gln931Pro; replaces glutamine 931 with proline.
Molecular consequence: missense variant.
Genome position (GRCh38, 1-based): chr17:6,455,470-6,455,471, CT replaced by GG on the plus strand (AG replaced by CC on the coding strand, the reverse complement: PITPNM3 is on the minus strand). VCF-style: chr17-6455470-CT-GG. GRCh37 (hg19) VCF-style: chr17-6358790-CT-GG.
Other names: c.2684_2685delinsCC, p.Gln895Pro (NM_001165966.2); short protein forms Q895P, Q931P.
Identifiers: ClinVar variation 954651 (VCV000954651.10), dbSNP rs1914047394, ClinGen allele CA1139665087.

ClinVar aggregate classification (germline): Uncertain significance. Review status: criteria provided, multiple submitters, no conflicts (2 of 4 stars). 2 submissions from 2 submitters: Uncertain significance (2). Last evaluated 2022-03-19.

Submissions (2):

Labcorp Genetics (formerly Invitae), Labcorp
Classification: Uncertain significance. Last evaluated: 2022-03-19. Review status: criteria provided, single submitter. Criteria: Invitae Variant Classification Sherloc (09022015). Collection method: clinical testing. Allele origin: germline.
Comment: In summary, the available evidence is currently insufficient to determine the role of this variant in disease. Therefore, it has been classified as a Variant of Uncertain Significance. Algorithms developed to predict the effect of missense changes on protein structure and function are either unavailable or do not agree on the potential impact of this missense change (SIFT: "Not Available"; PolyPhen-2: "Benign"; Align-GVGD: "Not Available"). ClinVar contains an entry for this variant (Variation ID: 954651). This variant has not been reported in the literature in individuals affected with PITPNM3-related conditions. This variant is present in population databases (no rsID available, gnomAD 0.04%). This sequence change replaces glutamine, which is neutral and polar, with proline, which is neutral and non-polar, at codon 931 of the PITPNM3 protein (p.Gln931Pro).

Blueprint Genetics
Classification: Uncertain significance. Last evaluated: 2021-12-13. Review status: criteria provided, single submitter. Criteria: ACMG Guidelines, 2015. Collection method: clinical testing. Allele origin: germline.